The following is an entry in ClinVar:

NM_001844.5(COL2A1):c.2957C>T (p.Pro986Leu)

Gene: COL2A1 (collagen type II alpha 1 chain; minus strand). Cytogenetic location: 12q13.11.
Variant type: single nucleotide variant.
Coding change: c.2957C>T on transcript NM_001844.5 (MANE Select); coding-DNA position 2957, C replaced by T.
Protein change: p.Pro986Leu; replaces proline 986 with leucine.
Molecular consequence: missense variant.
Genome position (GRCh38, 1-based): chr12:47,978,337, G>A on the plus strand (C>T on the coding strand, the complement: COL2A1 is on the minus strand). VCF-style: chr12-47978337-G-A. GRCh37 (hg19) VCF-style: chr12-48372120-G-A.
Other names: c.2750C>T, p.Pro917Leu (NM_033150.3); short protein forms P917L, P986L.
Identifiers: ClinVar variation 4796588 (VCV004796588.1).
Genomic context (GRCh38, chr12:47,978,337, plus strand): 5'-TACCCCACACTCACCGACGGGCCAGGCAAGCCAGGGAATCCTCTCTCACCACGTTGCCCA[G>A]GCAGACCGACGATGCCTCTCTGACCAGCCAGACCCTGGGGACCTGGTGGACCTTCGGCAC-3'
Protein context (NP_001835.3, residues 976-996): LAGQRGIVGL[Pro986Leu]GQRGERGFPG

ClinVar aggregate classification (germline): Likely pathogenic (1 of 4 stars; one submission).

Conditions:
Kniest dysplasia. Identifiers: Orphanet 485, MedGen C0265279, MONDO:0007987, OMIM 156550.
Spondyloepiphyseal dysplasia, Stanescu type. Also called: SED, STANESCU TYPE; SPONDYLOEPIMETAPHYSEAL DYSPLASIA, STANESCU TYPE. Identifiers: Orphanet 459051, MedGen C4225273, MONDO:0014701, OMIM 616583.
Spondyloepiphyseal dysplasia with metatarsal shortening. Also called: Pseudorheumatoid dysplasia progressive, with hypoplastic toes; CZECH DYSPLASIA, METATARSAL TYPE; SPONDYLOEPIPHYSEAL DYSPLASIA WITH PRECOCIOUS OSTEOARTHRITIS. Identifiers: Orphanet 137678, MedGen C1836683, MONDO:0012206, OMIM 609162.
Legg-Calve-Perthes disease. Also called: Avascular necrosis of the capital femoral epiphysis; PERTHES DISEASE; Osteochondritis deformans; Coxa plana. Identifiers: Orphanet 2380, MedGen C1442965, MONDO:0007885, OMIM 150600, HP:0005743.
Multiple epiphyseal dysplasia, Beighton type. Identifiers: Orphanet 166011, MedGen C1851536, MONDO:0007562, OMIM 132450.
Spondyloepiphyseal dysplasia congenita (SEDC). Also called: SED CONGENITA; SPONDYLOEPIPHYSEAL DYSPLASIA, CONGENITAL TYPE. Identifiers: Orphanet 94068, MedGen C2745959, MONDO:0008471, OMIM 183900.
Stickler syndrome, type I, nonsyndromic ocular. Also called: STICKLER SYNDROME, TYPE I, PREDOMINANTLY OCULAR; STICKLER SYNDROME, ATYPICAL. Identifiers: MedGen C1836080, MONDO:0012287, OMIM 609508.
Achondrogenesis type II (ACG2). Also called: ACHONDROGENESIS, LANGER-SALDINO TYPE; CHONDROGENESIS IMPERFECTA. Identifiers: Orphanet 932, Orphanet 93296, MedGen C0220685, MONDO:0008702, OMIM 200610.
Avascular necrosis of femoral head, primary, 1 (ANFH1). Also called: Avascular necrosis of femoral head, primary. Identifiers: Orphanet 86820, MedGen C4551562, MONDO:0054550, OMIM 608805.
Spondyloperipheral dysplasia. Also called: SPONDYLOPERIPHERAL DYSPLASIA WITH SHORT ULNA; Spondyloperipheral dysplasia-short ulna syndrome. Identifiers: Orphanet 1856, MedGen C0796173, MONDO:0010078, OMIM 271700.
Spondylometaphyseal dysplasia, Schmidt type (SMDALG). Also called: SPONDYLOMETAPHYSEAL DYSPLASIA, ALGERIAN TYPE; SPONDYLOMETAPHYSEAL DYSPLASIA WITH SEVERE GENU VALGUM. Identifiers: Orphanet 93316, MedGen C1866688, MONDO:0008478, OMIM 184253.
Stickler syndrome type 1 (STL1). Also called: ARTHROOPHTHALMOPATHY, HEREDITARY PROGRESSIVE; STICKLER SYNDROME, MEMBRANOUS VITREOUS TYPE; STICKLER SYNDROME, VITREOUS TYPE 1; COL2A1-Related Stickler Syndrome. Identifiers: Orphanet 828, Orphanet 90653, MedGen C2020284, MONDO:0007160, OMIM 108300.
Spondyloepimetaphyseal dysplasia, Strudwick type (SEMDSTWK). Also called: DAPPLED METAPHYSIS SYNDROME; STRUDWICK SYNDROME. Identifiers: Orphanet 93346, MedGen C0700635, MONDO:0008476, OMIM 184250.
Vitreoretinopathy with phalangeal epiphyseal dysplasia (VPED). Identifiers: MedGen C1852989, MONDO:0031001, OMIM 619248.
Platyspondylic dysplasia, Torrance type (PLSDT). Identifiers: Orphanet 85166, MedGen C1835437, MONDO:0007895, OMIM 151210.
Namaqualand hip dysplasia (OSCDP). Also called: Mild spondyloepiphyseal dysplasia due to COL2A1 mutation with early-onset osteoarthritis. Identifiers: Orphanet 93279, MedGen C0432214, MONDO:0011496, OMIM 604864.

Submission:

Juno Genomics, Hangzhou Juno Genomics, Inc
Classification: Likely pathogenic for Spondylometaphyseal dysplasia, Schmidt type; Multiple epiphyseal dysplasia, Beighton type; Vitreoretinopathy with phalangeal epiphyseal dysplasia; Achondrogenesis type II; Avascular necrosis of femoral head, primary, 1; Spondyloepiphyseal dysplasia with metatarsal shortening; Kniest dysplasia; Legg-Calve-Perthes disease; Namaqualand hip dysplasia; Platyspondylic dysplasia, Torrance type; Spondyloepiphyseal dysplasia congenita; Spondyloepimetaphyseal dysplasia, Strudwick type; Spondyloepiphyseal dysplasia, Stanescu type; Spondyloperipheral dysplasia; Stickler syndrome type 1; Stickler syndrome, type I, nonsyndromic ocular. Review status: criteria provided, single submitter. Criteria: ACMG Guidelines, 2015. Collection method: clinical testing. Allele origin: germline. Affected: yes.
Comment: Absent from controls (or at extremely low frequency if recessive) in Genome Aggregation Database, Exome Sequencing Project, 1000 Genomes Project, or Exome Aggregation Consortium.;Multiple lines of computational evidence support a deleterious effect on the gene or gene product (conservation, evolutionary, splicing impact, etc).;Missense variant in a gene that has a low rate of benign missense variation and where missense variants are a common mechanism of disease.;The prevalence of the variant in affected individuals is significantly increased compared to the prevalence in controls.;Patient's phenotype or family history is highly specific for a disease with a single genetic etiology.;Assumed de novo, but without confirmation of paternity and maternity.